The following is an entry in ClinVar:

ClinVar aggregate classification (germline): Pathogenic/Likely pathogenic. Review status: criteria provided, multiple submitters, no conflicts (2 of 4 stars). 6 submissions from 6 submitters: Pathogenic (5); Likely pathogenic (1). Last evaluated 2025-12-03.

Conditions:
Osteoporosis. Identifiers: MedGen C0029456, MONDO:0005298, OMIM 166710, HP:0000939.
Osteogenesis imperfecta, perinatal lethal (OI2). Also called: Osteogenesis imperfecta type 2; VROLIK TYPE OF OSTEOGENESIS IMPERFECTA; Osteogenesis imperfecta, dominant perinatal lethal; OSTEOGENESIS IMPERFECTA, TYPE II; OI, TYPE II; OSTEOGENESIS IMPERFECTA CONGENITA. Identifiers: Orphanet 216804, MedGen C0268358, MONDO:0008147, OMIM 166210.
Osteogenesis imperfecta type I (OI1). Also called: Lobstein's Disease; Osteogenesis imperfecta type 1; Classic Non-deforming Osteogenesis Imperfecta with Blue Sclerae; OI, TYPE I; OSTEOGENESIS IMPERFECTA TARDA; OSTEOGENESIS IMPERFECTA WITH BLUE SCLERAE. Identifiers: Orphanet 216796, Orphanet 666, MedGen C0023931, MONDO:0008146, OMIM 166200. Disease mechanism: loss of function.
Infantile cortical hyperostosis. Also called: Hyperostosis, Cortical, Congenital; P1PK BLOOD GROUP SYSTEM, P(2) PHENOTYPE; Caffey Disease. Identifiers: Orphanet 1310, MedGen C0020497, MONDO:0007244, OMIM 114000.
Combined osteogenesis imperfecta and Ehlers-Danlos syndrome 1. Also called: OIEDS SYNDROME 1. Identifiers: MedGen C5436842, MONDO:0030854, OMIM 619115.
Ehlers-Danlos syndrome, arthrochalasia type. Also called: Ehlers-Danlos syndrome, arthrochalasis type; Ehlers-Danlos syndrome, arthrochalasia type, 1; EDS VII, MUTANT PROCOLLAGEN TYPE; EDS VIIA; ARTHROCHALASIS MULTIPLEX CONGENITA. Identifiers: Orphanet 1899, Orphanet 99875, Orphanet 99876, MedGen C4551623, MONDO:0007525, OMIM 130060.
Osteogenesis imperfecta with normal sclerae, dominant form (OI4). Also called: OSTEOGENESIS IMPERFECTA, TYPE IV, WITH DENTINOGENESIS IMPERFECTA; Osteogenesis imperfecta type 4; Common Variable Osteogenesis Imperfecta with Normal Sclerae; OSTEOGENESIS IMPERFECTA WITH NORMAL SCLERAE; Osteogenesis Imperfecta Type IV. Identifiers: Orphanet 216820, Orphanet 666, MedGen C0268363, MONDO:0008148, OMIM 166220.
Osteogenesis imperfecta type III (OI3). Also called: Progressively Deforming Osteogenesis Imperfecta; Osteogenesis imperfecta type 3; OI type 3; Osteogenesis imperfecta, progressively deforming with normal sclerae; OI type III. Identifiers: Orphanet 216812, Orphanet 666, MedGen C0268362, MONDO:0009804, OMIM 259420.
Osteogenesis imperfecta (OI). Identifiers: Orphanet 666, MedGen C0029434, MeSH D010013, MONDO:0019019.

Submissions (6):

Labcorp Genetics (formerly Invitae), Labcorp
Classification: Pathogenic for Osteogenesis imperfecta type I. Last evaluated: 2025-12-03. Review status: criteria provided, single submitter. Criteria: Invitae Variant Classification Sherloc (09022015). Collection method: clinical testing. Allele origin: germline.
Comment: This sequence change creates a premature translational stop signal (p.Pro817Leufs*291) in the COL1A1 gene. It is expected to result in an absent or disrupted protein product. Loss-of-function variants in COL1A1 are known to be pathogenic (PMID: 7942841, 9295084, 9443882). This variant is not present in population databases (gnomAD no frequency). This premature translational stop signal has been observed in individual(s) with osteogenesis imperfecta (PMID: 27059743, 27748872). ClinVar contains an entry for this variant (Variation ID: 35912). For these reasons, this variant has been classified as Pathogenic.

Dasa
Classification: Pathogenic. Last evaluated: 2025-10-01. Review status: criteria provided, single submitter. Criteria: DASA Assertion Criteria. Collection method: clinical testing. Allele origin: germline.
Comment: NM_000088.4(COL1A1):c.2450del (p.Pro817LeufsTer291) is a frameshift variant in COL1A1 predicted to alter the reading frame and introduce a premature termination codon and is predicted to result in an absent or altered protein product. Loss of function is an established disease mechanism for COL1A1 (PMID: 9067755; PMID: 9016532). This variant has been reported in individuals with COL1A1-related disorders. Also, this variant is absent from population databases. Based on the currently available evidence, this variant is classified as pathogenic.

Clinical Biomedical Laboratory, Shriners Hospital For Children - Canada
Classification: Pathogenic for Osteogenesis imperfecta type I. Last evaluated: 2025-07-16. Review status: criteria provided, single submitter. Criteria: ACMG Guidelines, 2015. Collection method: clinical testing. Allele origin: germline. Affected: yes.
Comment: This variant is predicted to substitute a proline residue by a leucine residue in exon 35 and introduce a stop codon 291 amino acids downstream, which is expected to lead to degradation of the affected transcript. Loss-of-function variants in COL1A1 are an established cause of osteogenesis imperfecta (PMID 27509835). This variant is absent from the Genome Aggregation Database (v2.1.1).

GeneDx
Classification: Pathogenic. Last evaluated: 2025-05-23. Review status: criteria provided, single submitter. Criteria: GeneDx Variant Classification Process June 2021. Collection method: clinical testing. Allele origin: germline. Affected: yes.
Comment: Frameshift variant predicted to result in protein truncation or nonsense mediated decay in a gene for which loss-of-function is a known mechanism of disease; Not observed at significant frequency in large population cohorts (gnomAD); This variant is associated with the following publications: (PMID: 37270749, 27059743, 7942841, 28725987)

Women's Health and Genetics/Laboratory Corporation of America, LabCorp
Classification: Likely pathogenic for Osteogenesis Imperfecta. Last evaluated: 2011-08-18. Review status: criteria provided, single submitter. Criteria: LabCorp Variant Classification Summary - May 2015. Collection method: curation, clinical testing. Allele origin: germline. Inheritance: autosomal unknown. Affected: yes.
ClinVar note: Converted during submission from likely pathogenic to Likely pathogenic.

Juno Genomics, Hangzhou Juno Genomics, Inc
Classification: Pathogenic for Osteoporosis; Infantile cortical hyperostosis; Combined osteogenesis imperfecta and Ehlers-Danlos syndrome 1; Ehlers-Danlos syndrome, arthrochalasia type; Osteogenesis imperfecta type I; Osteogenesis imperfecta, perinatal lethal; Osteogenesis imperfecta type III; Osteogenesis imperfecta with normal sclerae, dominant form. Review status: criteria provided, single submitter. Criteria: ACMG Guidelines, 2015. Collection method: clinical testing. Allele origin: germline.
Comment: Absent from controls (or at extremely low frequency if recessive) in Genome Aggregation Database.;Null variant in a gene where loss of function (LOF) is a known mechanism of disease.;The prevalence of the variant in affected individuals is significantly increased compared to the prevalence in controls.;Patient's phenotype or family history is highly specific for a disease with a single genetic etiology.

Literature cited by the submitters: PubMed 7942841 (cited by Labcorp Genetics (formerly Invitae), Labcorp); PubMed 9295084 (cited by Labcorp Genetics (formerly Invitae), Labcorp); PubMed 9443882 (cited by Labcorp Genetics (formerly Invitae), Labcorp); PubMed 27059743 (cited by Labcorp Genetics (formerly Invitae), Labcorp); PubMed 27748872 (cited by Labcorp Genetics (formerly Invitae), Labcorp and Dasa); PubMed 35660813 (cited by Dasa); PubMed 9067755 (cited by Dasa); PubMed 9016532 (cited by Dasa); PubMed 27509835 (cited by Clinical Biomedical Laboratory, Shriners Hospital For Children - Canada).

NM_000088.4(COL1A1):c.2450del (p.Pro817fs)

Gene: COL1A1 (collagen type I alpha 1 chain; minus strand). Cytogenetic location: 17q21.33.
Variant type: Deletion.
Coding change: c.2450del on transcript NM_000088.4 (MANE Select); coding-DNA position 2450, one base deleted (C; older notation c.2450delC).
Protein change: p.Pro817fs; shifts the reading frame from proline 817.
Molecular consequence: frameshift variant.
Genome position (GRCh38, 1-based): chr17:50,190,328, G deleted on the plus strand (C on the coding strand, the reverse complement: COL1A1 is on the minus strand); the first of 6 consecutive G bases (chr17:50,190,328-50,190,333); deleting any one gives the same sequence. VCF-style (leftmost placement, unchanged base first): chr17-50190327-AG-A. GRCh37 (hg19) VCF-style: chr17-48267688-AG-A.
Other names: c.2450delC (NM_000088.3); short protein forms P817fs.
Identifiers: ClinVar variation 35912 (VCV000035912.18), dbSNP rs193922149, ClinGen allele CA260296.